The following is an entry in ClinVar:

NM_002880.4(RAF1):c.786T>G (p.Asn262Lys)

Gene: RAF1 (Raf-1 proto-oncogene, serine/threonine kinase; minus strand). Cytogenetic location: 3p25.2.
Variant type: single nucleotide variant.
Coding change: c.786T>G on transcript NM_002880.4 (MANE Select); coding-DNA position 786, T replaced by G.
Protein change: p.Asn262Lys; replaces asparagine 262 with lysine.
Molecular consequence: missense variant. On other transcripts: non-coding transcript variant (3).
Genome position (GRCh38, 1-based): chr3:12,604,184, A>C on the plus strand (T>G on the coding strand, the complement: RAF1 is on the minus strand). VCF-style: chr3-12604184-A-C. GRCh37 (hg19) VCF-style: chr3-12645683-A-C.
Other names: c.786T>G, p.Asn262Lys (NM_001354689.3, NM_001354690.3); c.543T>G, p.Asn181Lys (NM_001354691.3, NM_001354692.3, NM_001354694.3); c.687T>G, p.Asn229Lys (NM_001354693.3); c.444T>G, p.Asn148Lys (NM_001354695.3); short protein forms N229K, N148K, N181K, N262K.
Identifiers: ClinVar variation 2883997 (VCV002883997.4), dbSNP rs397516829, ClinGen allele CA351512337.
Genomic context (GRCh38, chr3:12,604,184, plus strand): 5'-GTGCCCTATTACCTCAATCATCCTGCTGTCCACAGGCAGGGTGGTGCTGACCATGTGGAC[A>C]TTAGGTGTGGATGTCGACCTCTGCCTCTGGGAGAGGGAACCTTCAGATGAGGGACTGGAG-3'
Protein context (NP_002871.1, residues 252-272): SQRQRSTSTP[Asn262Lys]VHMVSTTLPV

ClinVar aggregate classification (germline): Pathogenic. Review status: criteria provided, multiple submitters, no conflicts (2 of 4 stars). 2 submissions from 2 submitters: Pathogenic (2). Last evaluated 2025-07-27.

Conditions:
RASopathy. Also called: rasopathies; Noonan spectrum disorder. Identifiers: Orphanet 536391, MedGen C5555857, MONDO:0021060.

Submissions (2):

Labcorp Genetics (formerly Invitae), Labcorp
Classification: Pathogenic for RASopathy. Last evaluated: 2025-07-27. Review status: criteria provided, single submitter. Criteria: Invitae Variant Classification Sherloc (09022015). Collection method: clinical testing. Allele origin: germline.
Comment: This sequence change replaces asparagine, which is neutral and polar, with lysine, which is basic and polar, at codon 262 of the RAF1 protein (p.Asn262Lys). This variant is not present in population databases (gnomAD no frequency). This missense change has been observed in individual(s) with Noonan syndrome and/or prenatal features of this condition (PMID: 30732632, 34411415). In at least one individual the variant was observed to be de novo. ClinVar contains an entry for this variant (Variation ID: 2883997). Invitae Evidence Modeling incorporating data from in vitro experimental studies (internal data) indicates that this missense variant is expected to disrupt RAF1 function with a positive predictive value of 95%. For these reasons, this variant has been classified as Pathogenic.

GeneDx
Classification: Pathogenic. Last evaluated: 2025-06-16. Review status: criteria provided, single submitter. Criteria: GeneDx Variant Classification Process June 2021. Collection method: clinical testing. Allele origin: germline. Affected: yes.
Comment: In silico analysis supports that this missense variant has a deleterious effect on protein structure/function; Missense variants in this gene are a common cause of disease and they are underrepresented in the general population; Not observed at significant frequency in large population cohorts (gnomAD); This variant is associated with the following publications: (PMID: 34411415, 15520807, 17603482, 17603483, 19020799, 24957944, 29493581, 9689060, 31292302, 38572385, 30732632, 31219622)

Literature cited by the submitters: PubMed 30732632 (cited by Labcorp Genetics (formerly Invitae), Labcorp); PubMed 34411415 (cited by Labcorp Genetics (formerly Invitae), Labcorp).